The following is an entry in ClinVar:

ClinVar aggregate classification (germline): Likely pathogenic (1 of 4 stars; one submission).

gnomAD v4.1: 1 of 1,610,278 alleles (0.000062%); highest among the groups gnomAD compares: South Asian, 0.0011%; no homozygotes.

Submission:

Quest Diagnostics Nichols Institute San Juan Capistrano
Classification: Likely pathogenic. Last evaluated: 2021-08-13. Review status: criteria provided, single submitter. Criteria: Quest Diagnostics criteria. Collection method: clinical testing. Allele origin: unknown.
Comment: This test has identified one copy of the c.380-1G>T variant in the BRIP1 gene. This variant is located in a canonical splice-acceptor site and is predicted to interfere with normal BRIP1 mRNA splicing. This variant has not been reported in large, multi-ethnic general populations. However, it has been reported in at least one individual with breast cancer (and PMID: 33471991 (2021)). Based on the available information, this variant is classified as likely pathogenic.

Literature cited by the submitters: PubMed 33471991.

NM_032043.3(BRIP1):c.380-1G>T

Gene: BRIP1 (BRCA1 interacting DNA helicase 1; minus strand). Cytogenetic location: 17q23.2.
Variant type: single nucleotide variant.
Coding change: c.380-1G>T on transcript NM_032043.3 (MANE Select); the canonical splice acceptor site of the intron before coding-DNA position 380, G replaced by T.
Molecular consequence: splice acceptor variant.
Genome position (GRCh38, 1-based): chr17:61,849,257, C>A on the plus strand (G>T on the coding strand, the complement: BRIP1 is on the minus strand). VCF-style: chr17-61849257-C-A. GRCh37 (hg19) VCF-style: chr17-59926618-C-A.
Identifiers: ClinVar variation 1809520 (VCV001809520.1), dbSNP rs2145767071, ClinGen allele CA400484619.